The following is an entry in ClinVar:

NM_021072.4(HCN1):c.135C>G (p.Gly45=)

Gene: HCN1 (hyperpolarization activated cyclic nucleotide gated potassium channel 1; minus strand). Cytogenetic location: 5p12.
Variant type: single nucleotide variant.
Coding change: c.135C>G on transcript NM_021072.4 (MANE Select); coding-DNA position 135, C replaced by G.
Protein change: p.Gly45=; no amino-acid change (glycine 45 retained).
Molecular consequence: synonymous variant.
Genome position (GRCh38, 1-based): chr5:45,695,959, G>C on the plus strand (C>G on the coding strand, the complement: HCN1 is on the minus strand). VCF-style: chr5-45695959-G-C. GRCh37 (hg19) VCF-style: chr5-45696061-G-C.
Other names: c.135C>G (NM_021072.3).
Identifiers: ClinVar variation 2047222 (VCV002047222.5), dbSNP rs886043996, ClinGen allele CA444264056.
Genomic context (GRCh38, chr5:45,695,959, plus strand): 5'-GCCACCGCCGTCCACCTTGAAGCACACGGAGTTGCCGTGCTCCTTCGCGCCGGCCCCGCC[G>C]CCCCCCGGCGGGGTGCCCAGGCGCTTCTCGGCCGCGGCCGGCCCCGCGCCCGTCGCGGAC-3'
Protein context (NP_066550.2, residues 35-55): AEKRLGTPPG[Gly45=]GGAGAKEHGN

ClinVar aggregate classification (germline): Likely benign. Review status: criteria provided, multiple submitters, no conflicts (2 of 4 stars). 2 submissions from 2 submitters: Likely benign (2). Last evaluated 2024-10-18.

Conditions:
Early-infantile DEE. Also called: Ohtahara syndrome; Early infantile epileptic encephalopathy; Early infantile epileptic encephalopathy with suppression bursts. Identifiers: Orphanet 1934, MedGen C0393706, MONDO:0800491.
HCN1-related disorder. Also called: HCN1-related disorders; HCN1-related condition.

Allele frequency attached by ClinVar (database versions not stated): gnomAD 0.00001; TOPMed 0.00001.
gnomAD v4.1: 6 of 1,329,146 alleles (0.00045%); highest among the groups gnomAD compares: African/African-American, 0.0094%; no homozygotes.

Submissions (2):

PreventionGenetics, part of Exact Sciences
Classification: Likely benign for HCN1-related condition. Last evaluated: 2024-10-18. Review status: criteria provided, single submitter. Criteria: ACMG Guidelines, 2015. Collection method: clinical testing. Allele origin: germline.
Comment: This variant is classified as likely benign based on ACMG/AMP sequence variant interpretation guidelines (Richards et al. 2015 PMID: 25741868, with internal and published modifications).

Labcorp Genetics (formerly Invitae), Labcorp
Classification: Likely benign for Early-infantile DEE. Last evaluated: 2022-04-22. Review status: criteria provided, single submitter. Criteria: Invitae Variant Classification Sherloc (09022015). Collection method: clinical testing. Allele origin: germline.